The following is an entry in ClinVar:

NM_006612.6(KIF1C):c.1852C>T (p.Pro618Ser)

Genes: KIF1C (kinesin family member 1C; plus strand), LOC126862473 (CDK7 strongly-dependent group 2 enhancer GRCh37_chr17:4923264-4924463; plus strand). Cytogenetic location: 17p13.2.
Variant type: single nucleotide variant.
Coding change: c.1852C>T on transcript NM_006612.6 (MANE Select); coding-DNA position 1852, C replaced by T.
Protein change: p.Pro618Ser; replaces proline 618 with serine.
Molecular consequence: missense variant.
Genome position (GRCh38, 1-based): chr17:5,020,593, C>T. VCF-style: chr17-5020593-C-T. GRCh37 (hg19) VCF-style: chr17-4923888-C-T.
Other names: short protein forms P618S.
Identifiers: ClinVar variation 852848 (VCV000852848.10), dbSNP rs1975068657, ClinGen allele CA397310329.
Genomic context (GRCh38, chr17:5,020,593, plus strand): 5'-AACCACCCGGAGCAGGCAAGGCTGGAACGGGAACGAGGGGTCCCCCCACCCCCAGGACCG[C>T]CCTCTGAGCCAGTCGACTGGAACTTTGCCCAGAAGGAACTGCTGGAGCAGCAAGGCATCG-3'
Protein context (NP_006603.2, residues 608-628): ERGVPPPPGP[Pro618Ser]SEPVDWNFAQ

ClinVar aggregate classification (germline): Uncertain significance (1 of 4 stars; one submission).

Conditions:
Spastic ataxia 2. Also called: Ataxia, spastic, 2, autosomal recessive. Identifiers: Orphanet 397946, MedGen C1969796, MONDO:0012651, OMIM 611302.

Submission:

Labcorp Genetics (formerly Invitae), Labcorp
Classification: Uncertain significance for Spastic ataxia 2. Last evaluated: 2021-04-27. Review status: criteria provided, single submitter. Criteria: Invitae Variant Classification Sherloc (09022015). Collection method: clinical testing. Allele origin: germline.
Comment: In summary, the available evidence is currently insufficient to determine the role of this variant in disease. Therefore, it has been classified as a Variant of Uncertain Significance. Algorithms developed to predict the effect of missense changes on protein structure and function (SIFT, PolyPhen-2, Align-GVGD) all suggest that this variant is likely to be disruptive, but these predictions have not been confirmed by published functional studies and their clinical significance is uncertain. This variant has not been reported in the literature in individuals with KIF1C-related conditions. This variant is not present in population databases (ExAC no frequency). This sequence change replaces proline with serine at codon 618 of the KIF1C protein (p.Pro618Ser). The proline residue is highly conserved and there is a moderate physicochemical difference between proline and serine.